The following is an entry in ClinVar:

NM_014484.5(MOCS3):c.875G>A (p.Ser292Asn)

Gene: MOCS3 (molybdenum cofactor synthesis 3; plus strand). Cytogenetic location: 20q13.13.
Variant type: single nucleotide variant.
Coding change: c.875G>A on transcript NM_014484.5 (MANE Select); coding-DNA position 875, G replaced by A.
Protein change: p.Ser292Asn; replaces serine 292 with asparagine.
Molecular consequence: missense variant.
Genome position (GRCh38, 1-based): chr20:50,959,717, G>A. VCF-style: chr20-50959717-G-A. GRCh37 (hg19) VCF-style: chr20-49576254-G-A.
Other names: short protein forms S292N.
Identifiers: ClinVar variation 1378077 (VCV001378077.8), dbSNP rs2123160402, ClinGen allele CA408984861.
Genomic context (GRCh38, chr20:50,959,717, plus strand): 5'-GTGGCAGCTTGTTGCTCTTTGATGCCCTGAGAGGGCATTTCCGCTCTATTCGGCTGCGGA[G>A]CCGCAGGCTCGACTGTGCAGCTTGCGGGGAACGGCCCACTGTGACTGATCTGCTGGACTA-3'
Protein context (NP_055299.1, residues 282-302): RGHFRSIRLR[Ser292Asn]RRLDCAACGE

ClinVar aggregate classification (germline): Uncertain significance (1 of 4 stars; one submission).

Submission:

Labcorp Genetics (formerly Invitae), Labcorp
Classification: Uncertain significance. Last evaluated: 2022-07-26. Review status: criteria provided, single submitter. Criteria: Invitae Variant Classification Sherloc (09022015). Collection method: clinical testing. Allele origin: germline.
Comment: This sequence change replaces serine, which is neutral and polar, with asparagine, which is neutral and polar, at codon 292 of the MOCS3 protein (p.Ser292Asn). In summary, the available evidence is currently insufficient to determine the role of this variant in disease. Therefore, it has been classified as a Variant of Uncertain Significance. Algorithms developed to predict the effect of missense changes on protein structure and function (SIFT, PolyPhen-2, Align-GVGD) all suggest that this variant is likely to be tolerated. ClinVar contains an entry for this variant (Variation ID: 1378077). This variant has not been reported in the literature in individuals affected with MOCS3-related conditions. This variant is not present in population databases (gnomAD no frequency).